The following is an entry in ClinVar:

ClinVar aggregate classification (germline): Pathogenic/Likely pathogenic. Review status: criteria provided, multiple submitters, no conflicts (2 of 4 stars). 3 submissions from 3 submitters: Pathogenic (1); Likely pathogenic (1). 1 of the submissions does not count toward it. Last evaluated 2025-12-23.

Conditions:
Primary ciliary dyskinesia. Also called: Ciliary dyskinesia. Identifiers: Orphanet 244, MedGen C0008780, MONDO:0016575, HP:0012265.
Primary ciliary dyskinesia 7. Also called: CILIARY DYSKINESIA, PRIMARY, 7, WITH OR WITHOUT SITUS INVERSUS. Identifiers: Orphanet 244, MedGen C2678473, MONDO:0012748, OMIM 611884.
DNAH11-related disorder. Also called: DNAH11-related condition.

gnomAD v4.1: 1 of 1,613,896 alleles (0.000062%); highest among the groups gnomAD compares: Non-Finnish European, 0.000085%; no homozygotes.

Submissions (3):

Labcorp Genetics (formerly Invitae), Labcorp
Classification: Pathogenic for Primary ciliary dyskinesia. Last evaluated: 2025-12-23. Review status: criteria provided, single submitter. Criteria: Invitae Variant Classification Sherloc (09022015). Collection method: clinical testing. Allele origin: germline.
Comment: This sequence change affects an acceptor splice site in intron 78 of the DNAH11 gene. It is expected to disrupt RNA splicing. Variants that disrupt the donor or acceptor splice site typically lead to a loss of protein function (PMID: 16199547), and loss-of-function variants in DNAH11 are known to be pathogenic (PMID: 18022865, 20513915, 22184204). This variant is not present in population databases (gnomAD no frequency). Disruption of this splice site has been observed in individual(s) with clinical features of primary ciliary dyskinesia (internal data). It has also been observed to segregate with disease in related individuals. ClinVar contains an entry for this variant (Variation ID: 454652). Algorithms developed to predict the effect of sequence changes on RNA splicing suggest that this variant may disrupt the consensus splice site. For these reasons, this variant has been classified as Pathogenic.

Fulgent Genetics
Classification: Likely pathogenic for Primary ciliary dyskinesia 7. Last evaluated: 2021-12-01. Review status: criteria provided, single submitter. Criteria: ACMG Guidelines, 2015. Collection method: clinical testing. Allele origin: unknown.

PreventionGenetics, part of Exact Sciences
Classification: Likely pathogenic for DNAH11-related condition. Last evaluated: 2024-08-07. Review status: no assertion criteria provided. Collection method: clinical testing. Allele origin: germline. Not counted in ClinVar's aggregate classification.
Comment: The DNAH11 c.12934-1G>T variant is predicted to disrupt the AG splice acceptor site and interfere with normal splicing. To our knowledge, this variant has not been reported in the literature or in a large population database, indicating this variant is rare. Variants that disrupt the consensus splice acceptor site in DNAH11 are expected to be pathogenic. This variant is interpreted as likely pathogenic.

Literature cited by the submitters: PubMed 16199547 (cited by Labcorp Genetics (formerly Invitae), Labcorp); PubMed 18022865 (cited by Labcorp Genetics (formerly Invitae), Labcorp); PubMed 20513915 (cited by Labcorp Genetics (formerly Invitae), Labcorp); PubMed 22184204 (cited by Labcorp Genetics (formerly Invitae), Labcorp).

NM_001277115.2(DNAH11):c.12934-1G>T

Gene: DNAH11 (dynein axonemal heavy chain 11; plus strand). Cytogenetic location: 7p15.3.
Variant type: single nucleotide variant.
Coding change: c.12934-1G>T on transcript NM_001277115.2 (MANE Select); the canonical splice acceptor site of the intron before coding-DNA position 12934, G replaced by T.
Molecular consequence: splice acceptor variant.
Genome position (GRCh38, 1-based): chr7:21,894,883, G>T. VCF-style: chr7-21894883-G-T. GRCh37 (hg19) VCF-style: chr7-21934501-G-T.
Identifiers: ClinVar variation 454652 (VCV000454652.9), dbSNP rs1554293484, ClinGen allele CA366954776.
Genomic context (GRCh38, chr7:21,894,883, plus strand): 5'-CTATAGTAGACTTCAGCACATTGGAAGATATTCACTGTGTGGCTTTTTTTCTCCATGCAA[G>T]GGGGAATTGGCATTATCTCCTGCTGTGGAAGCCCAGCAGTTTGCATTGAGTTATGACACG-3'